The following is an entry in ClinVar:

ClinVar aggregate classification (germline): Uncertain significance (1 of 4 stars; one submission).

Submission:

Clinical Genomics Laboratory, Laboratory for Precision Diagnostics, University of Washington
Classification: Uncertain significance. Last evaluated: 2023-10-07. Review status: criteria provided, single submitter. Criteria: ACMG/ClinGen CNV Guidelines, 2019. Collection method: clinical testing. Allele origin: unknown. Affected: yes. Observed: 1 variant allele.
Comment: This interstitial duplication is approximately 15.66 Mb in size but is relatively gene-poor, encompassing only 11 protein-coding genes. None of the genes in this region are known to cause medical problems in humans when an extra copy is present (triplosensitivity), and this is not a known triplosensitive genomic region. However, CMA cannot distinguish tandem duplications from an insertion elsewhere in the genome with potential for pathogenic disruption of genes at the insertion site. The classification of this duplication remains uncertain, per ACMGG interpretation standards. Four families have been reported with large duplications of this region (see PMID:29194955 for a summary) that have mild to no clinical consequences. Three patients with similar duplications (267678, 359222, 266336) have been reported to DECIPHER. No similar isolated duplications have been seen in ClinVar. No similar duplications have been reported in the Database of Genomic Variants (DGV) or gnomAD, two databases of copy number changes found in the general population.

Literature cited by the submitters: PubMed 29194955; PubMed 17853472; PubMed 18386805; PubMed 15889415.

GRCh38/hg38 13q21.1-22.1(chr13:57854704-73514677)x3

Genes: ATXN8OS (ATXN8 opposite strand lncRNA; plus strand), BORA (BORA aurora kinase A activator; plus strand), DACH1 (dachshund family transcription factor 1; minus strand), DIAPH3 (diaphanous related formin 3; minus strand), DIAPH3-AS1 (DIAPH3 antisense RNA 1; plus strand) and 110 more. Cytogenetic location: 13q21.1-22.1.
Variant type: copy number gain.
Change: copy number 3 (three copies instead of two) of chr13:57,854,704-73,514,677 (15.66 Mb, GRCh38 coordinates, 1-based), cytogenetic band 13q21.1-22.1.
Identifiers: ClinVar variation 4890951 (VCV004890951.1).